The following is an entry in ClinVar:

NM_000051.4(ATM):c.2407T>C (p.Phe803Leu)

Gene: ATM (ATM serine/threonine kinase; plus strand). Cytogenetic location: 11q22.3.
Variant type: single nucleotide variant.
Coding change: c.2407T>C on transcript NM_000051.4 (MANE Select); coding-DNA position 2407, T replaced by C.
Protein change: p.Phe803Leu; replaces phenylalanine 803 with leucine.
Molecular consequence: missense variant.
Genome position (GRCh38, 1-based): chr11:108,259,016, T>C. VCF-style: chr11-108259016-T-C. GRCh37 (hg19) VCF-style: chr11-108129743-T-C.
Other names: c.2407T>C, p.Phe803Leu (NM_001351834.2); short protein forms F803L.
Identifiers: ClinVar variation 959896 (VCV000959896.15), dbSNP rs2080695332, ClinGen allele CA382541172.

ClinVar aggregate classification (germline): Uncertain significance. Review status: criteria provided, multiple submitters, no conflicts (2 of 4 stars). 3 submissions from 3 submitters: Uncertain significance (2). 1 of the submissions does not count toward it. Last evaluated 2025-03-06.

Conditions:
ATM-related disorder. Also called: ATM-related disorders; ATM-related condition.
Hereditary cancer-predisposing syndrome. Also called: Hereditary neoplastic syndrome; Tumor predisposition; Neoplastic Syndromes, Hereditary; Hereditary Cancer Syndrome. Identifiers: Orphanet 140162, MedGen C0027672, MeSH D009386, MONDO:0015356.
Ataxia-telangiectasia syndrome (AT). Also called: AT, COMPLEMENTATION GROUP C; Ataxia telangiectasia (A-T); Cerebello-oculocutaneous telangiectasia; Immunodeficiency with ataxia telangiectasia; LOUIS-BAR SYNDROME; Ataxia-telangiectasia. Identifiers: Orphanet 100, MedGen C0004135, MONDO:0008840, OMIM 208900.

Submissions (3):

Ambry Genetics
Classification: Uncertain significance for Hereditary cancer-predisposing syndrome. Last evaluated: 2025-03-06. Review status: criteria provided, single submitter. Criteria: Ambry Variant Classification Scheme 2023. Collection method: clinical testing. Allele origin: germline.
Comment: The p.F803L variant (also known as c.2407T>C), located in coding exon 15 of the ATM gene, results from a T to C substitution at nucleotide position 2407. The phenylalanine at codon 803 is replaced by leucine, an amino acid with highly similar properties. This amino acid position is highly conserved in available vertebrate species. In addition, the in silico prediction for this alteration is inconclusive. Based on the available evidence, the clinical significance of this variant remains unclear.

Labcorp Genetics (formerly Invitae), Labcorp
Classification: Uncertain significance for Ataxia-telangiectasia syndrome. Last evaluated: 2022-07-19. Review status: criteria provided, single submitter. Criteria: Invitae Variant Classification Sherloc (09022015). Collection method: clinical testing. Allele origin: germline.
Comment: In summary, the available evidence is currently insufficient to determine the role of this variant in disease. Therefore, it has been classified as a Variant of Uncertain Significance. Advanced modeling of protein sequence and biophysical properties (such as structural, functional, and spatial information, amino acid conservation, physicochemical variation, residue mobility, and thermodynamic stability) performed at Invitae indicates that this missense variant is not expected to disrupt ATM protein function. ClinVar contains an entry for this variant (Variation ID: 959896). This variant has not been reported in the literature in individuals affected with ATM-related conditions. This variant is not present in population databases (gnomAD no frequency). This sequence change replaces phenylalanine, which is neutral and non-polar, with leucine, which is neutral and non-polar, at codon 803 of the ATM protein (p.Phe803Leu).

PreventionGenetics, part of Exact Sciences
Classification: Uncertain significance for ATM-related condition. Last evaluated: 2024-01-11. Review status: no assertion criteria provided. Collection method: clinical testing. Allele origin: germline. Not counted in ClinVar's aggregate classification.
Comment: The ATM c.2407T>C variant is predicted to result in the amino acid substitution p.Phe803Leu. To our knowledge, this variant has not been reported in the literature or in a large population database, indicating this variant is rare. This variant is interpreted as uncertain significance in ClinVar. At this time, the clinical significance of this variant is uncertain due to the absence of conclusive functional and genetic evidence.